The following is an entry in ClinVar:

NM_024101.7(MLPH):c.959G>A (p.Arg320Gln)

Gene: MLPH (melanophilin; plus strand). Cytogenetic location: 2q37.3.
Variant type: single nucleotide variant.
Coding change: c.959G>A on transcript NM_024101.7 (MANE Select); coding-DNA position 959, G replaced by A.
Protein change: p.Arg320Gln; replaces arginine 320 with glutamine.
Molecular consequence: missense variant. On other transcripts: non-coding transcript variant (1), intron variant (1).
Genome position (GRCh38, 1-based): chr2:237,527,455, G>A. VCF-style: chr2-237527455-G-A. GRCh37 (hg19) VCF-style: chr2-238436098-G-A.
Other names: c.959G>A, p.Arg320Gln (NM_001042467.3); c.839G>A, p.Arg280Gln (NM_001281473.2); c.675+7426G>A (NM_001281474.2); short protein forms R280Q, R320Q.
Identifiers: ClinVar variation 3250415 (VCV003250415.1), dbSNP rs1353818050.

ClinVar aggregate classification (germline): Uncertain significance (1 of 4 stars; one submission).

Conditions:
Griscelli syndrome type 3 (GS3). Identifiers: Orphanet 381, Orphanet 79478, MedGen C1836573, MONDO:0012220, OMIM 609227.

Allele frequency attached by ClinVar (database versions not stated): gnomAD exomes 0.00001; TOPMed 0.00001.
gnomAD v4.1: 9 of 1,614,194 alleles (0.00056%); highest among the groups gnomAD compares: Middle Eastern, 0.016%; no homozygotes.

Submission:

Neuberg Centre For Genomic Medicine, NCGM
Classification: Uncertain significance for Griscelli syndrome type 3. Review status: criteria provided, single submitter. Criteria: ACMG Guidelines, 2015. Collection method: clinical testing. Allele origin: germline. Inheritance: Autosomal recessive inheritance. Affected: yes.
Comment: The observed missense variant c.959G>A (p.Arg320Gln) in MLPH gene has not been reported previously as a pathogenic variant nor as a benign variant, to our knowledge. The p.Arg320Gln variant is absent in gnomAD Exomes. This variant has not been submitted to the ClinVar database. The amino acid Arg at position 320 is changed to a Gln changing protein sequence and it might alter its composition and physico-chemical properties. For these reasons, this variant has been classified as Variant of Uncertain Significance (VUS).